The following is an entry in ClinVar:

NM_001164508.2(NEB):c.24873G>A (p.Thr8291=)

Genes: NEB (nebulin; minus strand), RIF1 (replication timing regulatory factor 1; plus strand). Cytogenetic location: 2q23.3.
Variant type: single nucleotide variant.
Coding change: c.24873G>A on transcript NM_001164508.2 (MANE Select); coding-DNA position 24873, G replaced by A.
Protein change: p.Thr8291=; no amino-acid change (threonine 8291 retained).
Molecular consequence: synonymous variant.
Genome position (GRCh38, 1-based): chr2:151,492,387, C>T on the plus strand (G>A on the coding strand, the complement: NEB is on the minus strand). VCF-style: chr2-151492387-C-T. GRCh37 (hg19) VCF-style: chr2-152348901-C-T.
Other names: c.24873G>A, p.Thr8291= (NM_001164507.2); c.24978G>A, p.Thr8326= (NM_001271208.2); c.19305G>A, p.Thr6435= (NM_004543.5).
Identifiers: ClinVar variation 652750 (VCV000652750.11), dbSNP rs779321695, ClinGen allele CA1905890.
Genomic context (GRCh38, chr2:151,492,387, plus strand): 5'-ATATCCCTTTTTACACATTCTGACAGGCAGCCAGCCAATCCTAAAGAATTCCTGACTCAC[C>T]GTTGAGATGTGCCGTTGGGTCTCCCTCACCCGTCTCATCTCGGGGGTATCCAATACATAG-3'
Protein context (NP_001157980.2, residues 8281-8301): RVRETQRHIS[Thr8291=]VKYHEDFEKH

ClinVar aggregate classification (germline): Uncertain significance. Review status: criteria provided, multiple submitters, no conflicts (2 of 4 stars). 3 submissions from 3 submitters: Uncertain significance (2). 1 of the submissions does not count toward it. Last evaluated 2022-08-10.

Conditions:
Nemaline myopathy 2 (NEM2). Also called: Nemaline myopathy 2, autosomal recessive. Identifiers: MedGen C1850569, MONDO:0009725, OMIM 256030.
Arthrogryposis multiplex congenita 6. Identifiers: MedGen C5543431, MONDO:0030281, OMIM 619334.

Allele frequency attached by ClinVar (database versions not stated): ExAC 0.00004; TOPMed 0.00004; gnomAD 0.00010.
gnomAD v4.1: 19 of 1,600,456 alleles (0.0012%); highest among the groups gnomAD compares: East Asian, 0.038%; no homozygotes.

Submissions (3):

Labcorp Genetics (formerly Invitae), Labcorp
Classification: Uncertain significance for Nemaline myopathy 2. Last evaluated: 2022-08-10. Review status: criteria provided, single submitter. Criteria: Invitae Variant Classification Sherloc (09022015). Collection method: clinical testing. Allele origin: germline.
Comment: This sequence change affects codon 8326 of the NEB mRNA. It is a 'silent' change, meaning that it does not change the encoded amino acid sequence of the NEB protein. This variant also falls at the last nucleotide of exon 178, which is part of the consensus splice site for this exon. This variant is present in population databases (rs779321695, gnomAD 0.09%). This variant has not been reported in the literature in individuals affected with NEB-related conditions. ClinVar contains an entry for this variant (Variation ID: 652750). Variants that disrupt the consensus splice site are a relatively common cause of aberrant splicing (PMID: 17576681, 9536098). Algorithms developed to predict the effect of sequence changes on RNA splicing suggest that this variant may disrupt the consensus splice site. In summary, the available evidence is currently insufficient to determine the role of this variant in disease. Therefore, it has been classified as a Variant of Uncertain Significance.

Juno Genomics, Hangzhou Juno Genomics, Inc
Classification: Uncertain significance for Nemaline myopathy 2; Arthrogryposis multiplex congenita 6. Review status: criteria provided, single submitter. Criteria: ACMG Guidelines, 2015. Collection method: clinical testing. Allele origin: germline.
Comment: Absent from controls (or at extremely low frequency if recessive) in Genome Aggregation Database.;Multiple lines of computational evidence support a deleterious effect on the gene or gene product.

Natera, Inc.
Classification: Uncertain significance for Nemaline myopathy type 2. Last evaluated: 2020-02-26. Review status: no assertion criteria provided. Collection method: clinical testing. Allele origin: germline. Not counted in ClinVar's aggregate classification.

Literature cited by the submitters: PubMed 17576681 (cited by Labcorp Genetics (formerly Invitae), Labcorp); PubMed 9536098 (cited by Labcorp Genetics (formerly Invitae), Labcorp).